The following is an entry in ClinVar:

NM_003619.4(PRSS12):c.936C>T (p.Ala312=)

Gene: PRSS12 (serine protease 12; minus strand). Cytogenetic location: 4q26.
Variant type: single nucleotide variant.
Coding change: c.936C>T on transcript NM_003619.4 (MANE Select); coding-DNA position 936, C replaced by T.
Protein change: p.Ala312=; no amino-acid change (alanine 312 retained).
Molecular consequence: synonymous variant.
Genome position (GRCh38, 1-based): chr4:118,331,751, G>A on the plus strand (C>T on the coding strand, the complement: PRSS12 is on the minus strand). VCF-style: chr4-118331751-G-A. GRCh37 (hg19) VCF-style: chr4-119252906-G-A.
Identifiers: ClinVar variation 436431 (VCV000436431.19), dbSNP rs12505679, ClinGen allele CA3055778.

ClinVar aggregate classification (germline): Conflicting classifications of pathogenicity. Review status: criteria provided, conflicting classifications (1 of 4 stars). 3 submissions from 3 submitters: Uncertain significance (1); Likely benign (2). Last evaluated 2025-06-01.

Conditions:
Intellectual developmental disorder, autosomal recessive 1. Also called: MENTAL RETARDATION, AUTOSOMAL RECESSIVE 1; Intellectual disability, autosomal recessive 1. Identifiers: Orphanet 88616, MedGen C1855304, MONDO:0009580, OMIM 249500.

Allele frequency attached by ClinVar (database versions not stated): ESP Exome Variant Server 0.00008; gnomAD 0.00008 and 0.00007; TOPMed 0.00007; 1000 Genomes Project 30x 0.00016; 1000 Genomes Project 0.00020.
gnomAD v4.1: 102 of 1,614,074 alleles (0.0063%); highest among the groups gnomAD compares: African/African-American, 0.02%; no homozygotes.

Submissions (3):

CeGaT Center for Human Genetics Tuebingen
Classification: Likely benign. Last evaluated: 2025-06-01. Review status: criteria provided, single submitter. Criteria: CeGaT Center For Human Genetics Tuebingen Variant Classification Criteria Version 2. Collection method: clinical testing. Allele origin: germline. Affected: yes. Observed: 1 variant allele.
Comment: PRSS12: BP4, BP7

Illumina Laboratory Services, Illumina
Classification: Uncertain significance for Intellectual developmental disorder, autosomal recessive 1. Last evaluated: 2018-01-12. Review status: criteria provided, single submitter. Criteria: ICSL Variant Classification Criteria 13 December 2019. Collection method: clinical testing. Allele origin: germline.

Genetic Services Laboratory, University of Chicago
Classification: Likely benign. Last evaluated: 2016-11-22. Review status: criteria provided, single submitter. Criteria: ACMG Guidelines, 2015. Collection method: clinical testing. Allele origin: germline. Affected: no.